The following is an entry in ClinVar:

ClinVar aggregate classification (germline): Uncertain significance (1 of 4 stars; one submission).

Conditions:
Long QT syndrome (LQTS). Identifiers: MedGen C0023976, MeSH D008133, MONDO:0002442. Disease mechanism: loss of function. Inheritance: Various modes of inheritance.

Submission:

Labcorp Genetics (formerly Invitae), Labcorp
Classification: Uncertain significance for Long QT syndrome. Last evaluated: 2022-11-30. Review status: criteria provided, single submitter. Criteria: Invitae Variant Classification Sherloc (09022015). Collection method: clinical testing. Allele origin: germline.
Comment: ClinVar contains an entry for this variant (Variation ID: 1722180). In summary, the available evidence is currently insufficient to determine the role of this variant in disease. Therefore, it has been classified as a Variant of Uncertain Significance. Advanced modeling of protein sequence and biophysical properties (such as structural, functional, and spatial information, amino acid conservation, physicochemical variation, residue mobility, and thermodynamic stability) performed at Invitae indicates that this missense variant is not expected to disrupt CACNA1C protein function. This variant has not been reported in the literature in individuals affected with CACNA1C-related conditions. This variant is not present in population databases (gnomAD no frequency). This sequence change replaces glutamic acid, which is acidic and polar, with lysine, which is basic and polar, at codon 1092 of the CACNA1C protein (p.Glu1092Lys).

NM_000719.7(CACNA1C):c.3274G>A (p.Glu1092Lys)

Gene: CACNA1C (calcium voltage-gated channel subunit alpha1 C; plus strand). Cytogenetic location: 12p13.33.
Variant type: single nucleotide variant.
Coding change: c.3274G>A on transcript NM_000719.7 (MANE Select); coding-DNA position 3274, G replaced by A.
Protein change: p.Glu1092Lys; replaces glutamic acid 1092 with lysine.
Molecular consequence: missense variant.
Genome position (GRCh38, 1-based): chr12:2,607,048, G>A. VCF-style: chr12-2607048-G-A. GRCh37 (hg19) VCF-style: chr12-2716214-G-A.
Other names: c.3274G>A, p.Glu1092Lys (NM_001129835.2, NM_001129836.2, NM_001129837.2 and 15 more transcripts); c.3334G>A, p.Glu1112Lys (NM_001129827.2, NM_001129832.2, NM_199460.4); c.3265G>A, p.Glu1089Lys (NM_001129844.2); short protein forms E1089K, E1092K, E1112K.
Identifiers: ClinVar variation 1722180 (VCV001722180.6), dbSNP rs1555882600, ClinGen allele CA383374831.